The following is an entry in ClinVar:

NM_000455.5(STK11):c.420G>A (p.Leu140=)

Gene: STK11 (serine/threonine kinase 11; plus strand). Cytogenetic location: 19p13.3.
Variant type: single nucleotide variant.
Coding change: c.420G>A on transcript NM_000455.5 (MANE Select); coding-DNA position 420, G replaced by A.
Protein change: p.Leu140=; no amino-acid change (leucine 140 retained).
Molecular consequence: synonymous variant. On other transcripts: non-coding transcript variant (1).
Genome position (GRCh38, 1-based): chr19:1,219,369, G>A. VCF-style: chr19-1219369-G-A. GRCh37 (hg19) VCF-style: chr19-1219368-G-A.
Other names: c.420G>A, p.Leu140= (NM_001407255.1).
Identifiers: ClinVar variation 3904015 (VCV003904015.1).
Genomic context (GRCh38, chr19:1,219,369, plus strand): 5'-TCCTTAGCGCCCCACGTATATGGTGATGGAGTACTGCGTGTGTGGCATGCAGGAAATGCT[G>A]GACAGCGTGCCGGAGAAGCGTTTCCCAGTGTGCCAGGCCCACGGGTGCGTGCGCGGGGCA-3'
Protein context (NP_000446.1, residues 130-150): EYCVCGMQEM[Leu140=]DSVPEKRFPV

ClinVar aggregate classification (germline): Benign (1 of 4 stars; one submission).

Conditions:
Peutz-Jeghers syndrome (PJS). Also called: POLYPOSIS, HAMARTOMATOUS INTESTINAL; POLYPS-AND-SPOTS SYNDROME; Peutz-Jeghers polyposis; Periorificial lentiginosis syndrome. Identifiers: Orphanet 2869, MedGen C0031269, MeSH D010580, MONDO:0008280, OMIM 175200.

Submission:

Myriad Genetics, Inc.
Classification: Benign for Peutz-Jeghers syndrome. Last evaluated: 2025-03-26. Review status: criteria provided, single submitter. Criteria: Myriad Autosomal Dominant, Autosomal Recessive and X-Linked Classification Criteria (2023). Collection method: clinical testing. Allele origin: unknown.
Comment: This variant is considered benign. This variant is a silent/synonymous amino acid change and it is not expected to impact splicing.